The following is an entry in ClinVar:

NM_001184.4(ATR):c.6829C>T (p.His2277Tyr)

Gene: ATR (ATR checkpoint kinase; minus strand). Cytogenetic location: 3q23.
Variant type: single nucleotide variant.
Coding change: c.6829C>T on transcript NM_001184.4 (MANE Select); coding-DNA position 6829, C replaced by T.
Protein change: p.His2277Tyr; replaces histidine 2277 with tyrosine.
Molecular consequence: missense variant.
Genome position (GRCh38, 1-based): chr3:142,466,392, G>A on the plus strand (C>T on the coding strand, the complement: ATR is on the minus strand). VCF-style: chr3-142466392-G-A. GRCh37 (hg19) VCF-style: chr3-142185234-G-A.
Other names: c.6637C>T, p.His2213Tyr (NM_001354579.2); short protein forms H2277Y, H2213Y.
Identifiers: ClinVar variation 1368179 (VCV001368179.10), dbSNP rs755816195, ClinGen allele CA2649262.
Genomic context (GRCh38, chr3:142,466,392, plus strand): 5'-CAAACCCTGCAATATAGGCCCAATGTCCAGGAAATGGTTCATGGCTAGCATGGTTAGCAT[G>A]GGTACCCAGAATTGATGGAAGTGTAGGTATCATGACTGATTGTAGAGGAATGAGGATTTC-3'
Protein context (NP_001175.2, residues 2267-2287): IPTLPSILGT[His2277Tyr]ANHASHEPFP

ClinVar aggregate classification (germline): Uncertain significance. Review status: criteria provided, multiple submitters, no conflicts (2 of 4 stars). 4 submissions from 3 submitters: Uncertain significance (4). Last evaluated 2025-04-02.

Conditions:
Familial cutaneous telangiectasia and oropharyngeal predisposition cancer syndrome. Identifiers: Orphanet 313846, MedGen C3281203, MONDO:0013806, OMIM 614564.
Inborn genetic diseases. Identifiers: MedGen C0950123, MeSH D030342.
Seckel syndrome 1 (SCKL1). Also called: MICROCEPHALIC PRIMORDIAL DWARFISM I. Identifiers: Orphanet 808, MedGen C4551474, MONDO:0008869, OMIM 210600.

Allele frequency attached by ClinVar (database versions not stated): gnomAD exomes below 0.00001 and 0.00001; TOPMed below 0.00001; ExAC 0.00001; gnomAD 0.00001.
gnomAD v4.1: 3 of 1,613,846 alleles (0.00019%); highest among the groups gnomAD compares: East Asian, 0.0067%; no homozygotes.

Submissions (4):

Ambry Genetics
Classification: Uncertain significance for Inborn genetic diseases. Last evaluated: 2025-04-02. Review status: criteria provided, single submitter. Criteria: Ambry Variant Classification Scheme 2023. Collection method: clinical testing. Allele origin: germline.

Labcorp Genetics (formerly Invitae), Labcorp
Classification: Uncertain significance. Last evaluated: 2024-05-06. Review status: criteria provided, single submitter. Criteria: Invitae Variant Classification Sherloc (09022015). Collection method: clinical testing. Allele origin: germline.
Comment: This sequence change replaces histidine, which is basic and polar, with tyrosine, which is neutral and polar, at codon 2277 of the ATR protein (p.His2277Tyr). This variant is present in population databases (rs755816195, gnomAD 0.02%). This variant has not been reported in the literature in individuals affected with ATR-related conditions. ClinVar contains an entry for this variant (Variation ID: 1368179). An algorithm developed to predict the effect of missense changes on protein structure and function (PolyPhen-2) suggests that this variant is likely to be disruptive. Algorithms developed to predict the effect of sequence changes on RNA splicing suggest that this variant may create or strengthen a splice site. In summary, the available evidence is currently insufficient to determine the role of this variant in disease. Therefore, it has been classified as a Variant of Uncertain Significance.

Genome-Nilou Lab
Classification: Uncertain significance for Seckel syndrome 1. Last evaluated: 2023-02-08. Review status: criteria provided, single submitter. Criteria: ACMG Guidelines, 2015. Collection method: clinical testing. Allele origin: germline.

Genome-Nilou Lab
Classification: Uncertain significance for Familial cutaneous telangiectasia and oropharyngeal predisposition cancer syndrome. Last evaluated: 2023-02-08. Review status: criteria provided, single submitter. Criteria: ACMG Guidelines, 2015. Collection method: clinical testing. Allele origin: germline.